The following is an entry in ClinVar:

ClinVar aggregate classification (germline): Likely benign. Review status: criteria provided, single submitter (1 of 4 stars). 2 submissions from 2 submitters: Likely benign (1). 1 of the submissions does not count toward it. Last evaluated 2025-11-22.

Conditions:
PRKAG2-related disorder. Also called: PRKAG2-related condition; PRKAG2-related disorders.
Lethal congenital glycogen storage disease of heart. Also called: GLYCOGEN STORAGE DISEASE OF HEART; PHOSPHORYLASE KINASE DEFICIENCY OF HEART. Identifiers: Orphanet 439854, MedGen C1849813, MONDO:0009867, OMIM 261740.

Allele frequency attached by ClinVar (database versions not stated): gnomAD exomes below 0.00001 and 0.00003; ExAC 0.00005; gnomAD 0.00013 and 0.00015; ESP Exome Variant Server 0.00015; TOPMed 0.00015.
gnomAD v4.1: 27 of 1,614,044 alleles (0.0017%); highest among the groups gnomAD compares: African/African-American, 0.028%; no homozygotes.

Submissions (2):

Labcorp Genetics (formerly Invitae), Labcorp
Classification: Likely benign for Lethal congenital glycogen storage disease of heart. Last evaluated: 2025-11-22. Review status: criteria provided, single submitter. Criteria: Invitae Variant Classification Sherloc (09022015). Collection method: clinical testing. Allele origin: germline.

PreventionGenetics, part of Exact Sciences
Classification: Likely benign for PRKAG2-related condition. Last evaluated: 2019-06-07. Review status: no assertion criteria provided. Collection method: clinical testing. Allele origin: germline. Not counted in ClinVar's aggregate classification.
Comment: This variant is classified as likely benign based on ACMG/AMP sequence variant interpretation guidelines (Richards et al. 2015 PMID: 25741868, with internal and published modifications).

NM_016203.4(PRKAG2):c.1678+10T>C

Gene: PRKAG2 (protein kinase AMP-activated non-catalytic subunit gamma 2; minus strand). Cytogenetic location: 7q36.1.
Variant type: single nucleotide variant.
Coding change: c.1678+10T>C on transcript NM_016203.4 (MANE Select); 10 bases into the intron after coding-DNA position 1678, T replaced by C.
Molecular consequence: intron variant.
Genome position (GRCh38, 1-based): chr7:151,560,514, A>G on the plus strand (T>C on the coding strand, the complement: PRKAG2 is on the minus strand). VCF-style: chr7-151560514-A-G. GRCh37 (hg19) VCF-style: chr7-151257600-A-G.
Other names: c.1546+10T>C (NM_001040633.2); c.1303+10T>C (NM_001304527.2); c.1306+10T>C (NM_001363698.2); c.955+10T>C (NM_001304531.2, NM_024429.2).
Identifiers: ClinVar variation 533888 (VCV000533888.12), dbSNP rs369965019, ClinGen allele CA055757.